The following is an entry in ClinVar:

NM_001146262.4(SYT14):c.1154_1155delinsTT (p.Tyr385Phe)

Gene: SYT14 (synaptotagmin 14; plus strand). Cytogenetic location: 1q32.2.
Variant type: Indel.
Coding change: c.1154_1155delinsTT on transcript NM_001146262.4 (MANE Select); coding-DNA positions 1154 to 1155, AC replaced by TT.
Protein change: p.Tyr385Phe; replaces tyrosine 385 with phenylalanine.
Molecular consequence: missense variant.
Genome position (GRCh38, 1-based): chr1:210,100,451-210,100,452, AC replaced by TT. VCF-style: chr1-210100451-AC-TT. GRCh37 (hg19) VCF-style: chr1-210273796-AC-TT.
Other names: c.1289_1290delinsTT, p.Tyr430Phe (NM_001146261.4, NM_001146264.4); c.1040_1041delinsTT, p.Tyr347Phe (NM_001256006.3); c.2024_2025delinsTT, p.Tyr675Phe (NM_001397544.1, NM_001397545.1); c.1154_1155delinsTT, p.Tyr385Phe (NM_153262.5); short protein forms Y347F, Y385F, Y430F, Y675F.
Identifiers: ClinVar variation 1807458 (VCV001807458.2), dbSNP rs2527945151, ClinGen allele CA2580061991.

ClinVar aggregate classification (germline): Uncertain significance (1 of 4 stars; one submission).

Submission:

Athena Diagnostics
Classification: Uncertain significance. Last evaluated: 2023-10-16. Review status: criteria provided, single submitter. Criteria: Athena Diagnostics Criteria. Collection method: clinical testing. Allele origin: unknown.
Comment: Available data are insufficient to determine the clinical significance of the variant at this time. The frequency of this variant in the general population is uninformative in assessment of its pathogenicity. Computational tools predict that this variant is not damaging.